The following is an entry in ClinVar:

NM_017617.5(NOTCH1):c.199C>T (p.Pro67Ser)

Gene: NOTCH1 (notch receptor 1; minus strand). Cytogenetic location: 9q34.3.
Variant type: single nucleotide variant.
Coding change: c.199C>T on transcript NM_017617.5 (MANE Select); coding-DNA position 199, C replaced by T.
Protein change: p.Pro67Ser; replaces proline 67 with serine.
Molecular consequence: missense variant.
Genome position (GRCh38, 1-based): chr9:136,523,921, G>A on the plus strand (C>T on the coding strand, the complement: NOTCH1 is on the minus strand). VCF-style: chr9-136523921-G-A. GRCh37 (hg19) VCF-style: chr9-139418373-G-A.
Other names: short protein forms P67S.
Identifiers: ClinVar variation 2127816 (VCV002127816.4), dbSNP rs2133379665, ClinGen allele CA375573086.
Genomic context (GRCh38, chr9:136,523,921, plus strand): 5'-AGGCATAGTCTGCCACGCCTCTGCGGTCCACCACGTGGCATGTCCCGGCGTTCTTGCAGG[G>A]GGTGCTGAGGCACGGGTTGGGGTCCTGGCATCGCGGGCCCACGAAGGCCCCGCCACAGCT-3'
Protein context (NP_060087.3, residues 57-77): CQDPNPCLST[Pro67Ser]CKNAGTCHVV

ClinVar aggregate classification (germline): Uncertain significance (1 of 4 stars; one submission).

Conditions:
Adams-Oliver syndrome 5 (AOS5). Identifiers: Orphanet 974, MedGen C4014970, MONDO:0014459, OMIM 616028.

Allele frequency attached by ClinVar (database versions not stated): gnomAD exomes below 0.00001.
gnomAD v4.1: 1 of 1,596,746 alleles (0.000063%); highest among the groups gnomAD compares: Non-Finnish European, 0.000085%; no homozygotes.

Submission:

Labcorp Genetics (formerly Invitae), Labcorp
Classification: Uncertain significance for Adams-Oliver syndrome 5. Last evaluated: 2024-02-17. Review status: criteria provided, single submitter. Criteria: Invitae Variant Classification Sherloc (09022015). Collection method: clinical testing. Allele origin: germline.
Comment: This sequence change replaces proline, which is neutral and non-polar, with serine, which is neutral and polar, at codon 67 of the NOTCH1 protein (p.Pro67Ser). This variant is not present in population databases (gnomAD no frequency). This variant has not been reported in the literature in individuals affected with NOTCH1-related conditions. ClinVar contains an entry for this variant (Variation ID: 2127816). Advanced modeling of protein sequence and biophysical properties (such as structural, functional, and spatial information, amino acid conservation, physicochemical variation, residue mobility, and thermodynamic stability) performed at Invitae indicates that this missense variant is not expected to disrupt NOTCH1 protein function with a negative predictive value of 95%. In summary, the available evidence is currently insufficient to determine the role of this variant in disease. Therefore, it has been classified as a Variant of Uncertain Significance.